The following is an entry in ClinVar:

ClinVar aggregate classification (germline): Uncertain significance. Review status: criteria provided, multiple submitters, no conflicts (2 of 4 stars). 8 submissions from 8 submitters: Uncertain significance (8). Last evaluated 2026-09-01.

Conditions:
Ehlers-Danlos syndrome (EDS). Identifiers: Orphanet 98249, MedGen C0013720, MONDO:0020066.
Familial thoracic aortic aneurysm and aortic dissection (TAAD). Also called: Thoracic aortic aneurysms and dissections. Identifiers: Orphanet 91387, MedGen C4707243, MONDO:0019625.
Ehlers-Danlos syndrome, kyphoscoliotic type 1 (EDSKSCL1). Also called: EHLERS-DANLOS SYNDROME, TYPE VIA; EHLERS-DANLOS SYNDROME, OCULAR-SCOLIOTIC TYPE; Ehlers-Danlos syndrome, hydroxylysine-deficient; PLOD1-Related Kyphoscoliotic Ehlers-Danlos Syndrome. Identifiers: Orphanet 1900, MedGen C0268342, MONDO:0016002, OMIM 225400. Disease mechanism: loss of function.
PLOD1-related disorder. Also called: PLOD1-related condition.

Allele frequency attached by ClinVar (database versions not stated): gnomAD 0.00002 and 0.00003; gnomAD exomes 0.00002; ExAC 0.00003; TOPMed 0.00003; ESP Exome Variant Server 0.00008.
gnomAD v4.1: 23 of 1,604,674 alleles (0.0014%); highest among the groups gnomAD compares: Middle Eastern, 0.033%; no homozygotes.

Submissions (8):

CeGaT Center for Human Genetics Tuebingen
Classification: Uncertain significance. Last evaluated: 2026-09-01. Review status: criteria provided, single submitter. Criteria: CeGaT Center For Human Genetics Tuebingen Variant Classification Criteria Version 2. Collection method: clinical testing. Allele origin: germline. Affected: yes. Observed: 1 variant allele.
Comment: PLOD1: PM2

Women's Health and Genetics/Laboratory Corporation of America, LabCorp
Classification: Uncertain significance. Last evaluated: 2026-03-06. Review status: criteria provided, single submitter. Criteria: LabCorp Variant Classification Summary - May 2015. Collection method: clinical testing. Allele origin: germline.
Comment: Variant summary: PLOD1 c.1153G>A (p.Val385Met) results in a conservative amino acid change in the encoded protein sequence. Algorithms developed to predict the effect of missense changes on protein structure and function are either unavailable or do not agree on the potential impact of this missense change. The variant allele was found at a frequency of 1.7e-05 in 232938 control chromosomes. The available data on variant occurrences in the general population are insufficient to allow any conclusion about variant significance. To our knowledge, no occurrence of c.1153G>A in individuals affected with PLOD1-related conditions and no experimental evidence demonstrating its impact on protein function have been reported. ClinVar contains an entry for this variant (Variation ID: 1190570). Based on the evidence outlined above, the variant was classified as uncertain significance.

PreventionGenetics, part of Exact Sciences
Classification: Uncertain significance for PLOD1-related condition. Last evaluated: 2025-04-17. Review status: criteria provided, single submitter. Criteria: ACMG Guidelines, 2015. Collection method: clinical testing. Allele origin: germline.
Comment: The PLOD1 c.1153G>A variant is predicted to result in the amino acid substitution p.Val385Met. To our knowledge, this variant has not been reported in the literature. This variant is reported in 0.0038% of alleles in individuals of European (Non-Finnish) descent in gnomAD. At this time, the clinical significance of this variant is uncertain due to the absence of conclusive functional and genetic evidence.

Ambry Genetics
Classification: Uncertain significance for Familial thoracic aortic aneurysm and aortic dissection. Last evaluated: 2024-09-15. Review status: criteria provided, single submitter. Criteria: Ambry Variant Classification Scheme 2023. Collection method: clinical testing. Allele origin: germline.
Comment: The p.V385M variant (also known as c.1153G>A), located in coding exon 11 of the PLOD1 gene, results from a G to A substitution at nucleotide position 1153. The valine at codon 385 is replaced by methionine, an amino acid with highly similar properties. This amino acid position is conserved. In addition, the in silico prediction for this alteration is inconclusive. Since supporting evidence is limited at this time, the clinical significance of this alteration remains unclear.

Blueprint Genetics
Classification: Uncertain significance. Last evaluated: 2024-06-24. Review status: criteria provided, single submitter. Criteria: ACMG Guidelines, 2015. Collection method: clinical testing. Allele origin: germline.

GeneDx
Classification: Uncertain significance. Last evaluated: 2023-07-25. Review status: criteria provided, single submitter. Criteria: GeneDx Variant Classification Process June 2021. Collection method: clinical testing. Allele origin: germline. Affected: yes.
Comment: Not observed at significant frequency in large population cohorts (gnomAD); In silico analysis supports that this missense variant does not alter protein structure/function; Has not been previously published as pathogenic or benign to our knowledge

Labcorp Genetics (formerly Invitae), Labcorp
Classification: Uncertain significance for Ehlers-Danlos syndrome, kyphoscoliotic type 1. Last evaluated: 2022-08-16. Review status: criteria provided, single submitter. Criteria: Invitae Variant Classification Sherloc (09022015). Collection method: clinical testing. Allele origin: germline.
Comment: This sequence change replaces valine, which is neutral and non-polar, with methionine, which is neutral and non-polar, at codon 385 of the PLOD1 protein (p.Val385Met). The frequency data for this variant in the population databases is considered unreliable, as metrics indicate poor data quality at this position in the gnomAD database. This variant has not been reported in the literature in individuals affected with PLOD1-related conditions. ClinVar contains an entry for this variant (Variation ID: 1190570). Algorithms developed to predict the effect of missense changes on protein structure and function are either unavailable or do not agree on the potential impact of this missense change (SIFT: "Tolerated"; PolyPhen-2: "Possibly Damaging"; Align-GVGD: "Class C0"). In summary, the available evidence is currently insufficient to determine the role of this variant in disease. Therefore, it has been classified as a Variant of Uncertain Significance.

Genome Diagnostics Laboratory, The Hospital for Sick Children
Classification: Uncertain significance for Ehlers-Danlos syndrome. Last evaluated: 2020-01-01. Review status: criteria provided, single submitter. Criteria: ACMG Guidelines, 2015. Collection method: clinical testing. Allele origin: germline.

NM_000302.4(PLOD1):c.1153G>A (p.Val385Met)

Gene: PLOD1 (procollagen-lysine,2-oxoglutarate 5-dioxygenase 1; plus strand). Cytogenetic location: 1p36.22.
Variant type: single nucleotide variant.
Coding change: c.1153G>A on transcript NM_000302.4 (MANE Select); coding-DNA position 1153, G replaced by A.
Protein change: p.Val385Met; replaces valine 385 with methionine.
Molecular consequence: missense variant.
Genome position (GRCh38, 1-based): chr1:11,963,587, G>A. VCF-style: chr1-11963587-G-A. GRCh37 (hg19) VCF-style: chr1-12023644-G-A.
Other names: c.1294G>A, p.Val432Met (NM_001316320.2); short protein forms V385M, V432M.
Identifiers: ClinVar variation 1190570 (VCV001190570.16), dbSNP rs371223839, ClinGen allele CA598302.
Genomic context (GRCh38, chr1:11,963,587, plus strand): 5'-TGCAGAGACCTGTGCCGGCAGGACCGCAGCTGCACCTACTACTTCAGCGTGGATGCTGAC[G>A]TGGCCCTGACCGAGCCCAACAGCCTGCGGCTGCTGATCCAACAGAACAAGTGAGGCTGCT-3'
Protein context (NP_000293.2, residues 375-395): CTYYFSVDAD[Val385Met]ALTEPNSLRL